The following is an entry in ClinVar:

ClinVar aggregate classification (germline): Uncertain significance (1 of 4 stars; one submission).

Allele frequency attached by ClinVar (database versions not stated): gnomAD exomes below 0.00001.
gnomAD v4.1: 1 of 1,612,330 alleles (0.000062%); highest among the groups gnomAD compares: East Asian, 0.0022%; no homozygotes.

Submission:

Labcorp Genetics (formerly Invitae), Labcorp
Classification: Uncertain significance. Last evaluated: 2022-02-06. Review status: criteria provided, single submitter. Criteria: Invitae Variant Classification Sherloc (09022015). Collection method: clinical testing. Allele origin: germline.
Comment: This sequence change replaces leucine, which is neutral and non-polar, with phenylalanine, which is neutral and non-polar, at codon 1222 of the RAI1 protein (p.Leu1222Phe). Algorithms developed to predict the effect of missense changes on protein structure and function are either unavailable or do not agree on the potential impact of this missense change (SIFT: "Deleterious"; PolyPhen-2: "Probably Damaging"; Align-GVGD: "Class C0"). This variant has not been reported in the literature in individuals affected with RAI1-related conditions. This variant is not present in population databases (gnomAD no frequency). In summary, the available evidence is currently insufficient to determine the role of this variant in disease. Therefore, it has been classified as a Variant of Uncertain Significance.

NM_030665.4(RAI1):c.3664C>T (p.Leu1222Phe)

Gene: RAI1 (retinoic acid induced 1; plus strand). Cytogenetic location: 17p11.2.
Variant type: single nucleotide variant.
Coding change: c.3664C>T on transcript NM_030665.4 (MANE Select); coding-DNA position 3664, C replaced by T.
Protein change: p.Leu1222Phe; replaces leucine 1222 with phenylalanine.
Molecular consequence: missense variant.
Genome position (GRCh38, 1-based): chr17:17,796,612, C>T. VCF-style: chr17-17796612-C-T. GRCh37 (hg19) VCF-style: chr17-17699926-C-T.
Other names: short protein forms L1222F.
Identifiers: ClinVar variation 2094068 (VCV002094068.4), dbSNP rs2032260479, ClinGen allele CA398554681.